The following is an entry in ClinVar:

NM_012179.4(FBXO7):c.593C>G (p.Ala198Gly)

Gene: FBXO7 (F-box protein 7; plus strand). Cytogenetic location: 22q12.3.
Variant type: single nucleotide variant.
Coding change: c.593C>G on transcript NM_012179.4 (MANE Select); coding-DNA position 593, C replaced by G.
Protein change: p.Ala198Gly; replaces alanine 198 with glycine.
Molecular consequence: missense variant.
Genome position (GRCh38, 1-based): chr22:32,484,072, C>G. VCF-style: chr22-32484072-C-G. GRCh37 (hg19) VCF-style: chr22-32880059-C-G.
Other names: c.356C>G, p.Ala119Gly (NM_001033024.2); c.251C>G, p.Ala84Gly (NM_001257990.2); short protein forms A119G, A198G, A84G.
Identifiers: ClinVar variation 962045 (VCV000962045.9), dbSNP rs2057482701, ClinGen allele CA411331946.

ClinVar aggregate classification (germline): Uncertain significance (1 of 4 stars; one submission).

Conditions:
Parkinsonian-pyramidal syndrome. Also called: PARKINSON DISEASE 15, AUTOSOMAL RECESSIVE; PARKINSON DISEASE 15, AUTOSOMAL RECESSIVE EARLY-ONSET; PALLIDOPYRAMIDAL SYNDROME. Identifiers: Orphanet 171695, MedGen C1850100, MONDO:0009830, OMIM 260300.

Submission:

Labcorp Genetics (formerly Invitae), Labcorp
Classification: Uncertain significance for Parkinsonian-pyramidal syndrome. Last evaluated: 2019-10-29. Review status: criteria provided, single submitter. Criteria: Invitae Variant Classification Sherloc (09022015). Collection method: clinical testing. Allele origin: germline.
Comment: Algorithms developed to predict the effect of missense changes on protein structure and function (SIFT, PolyPhen-2, Align-GVGD) all suggest that this variant is likely to be disruptive, but these predictions have not been confirmed by published functional studies and their clinical significance is uncertain. This variant has not been reported in the literature in individuals with FBXO7-related conditions. This variant is not present in population databases (ExAC no frequency). This sequence change replaces alanine with glycine at codon 198 of the FBXO7 protein (p.Ala198Gly). The alanine residue is highly conserved and there is a small physicochemical difference between alanine and glycine. In summary, the available evidence is currently insufficient to determine the role of this variant in disease. Therefore, it has been classified as a Variant of Uncertain Significance.